The following is an entry in ClinVar:

ClinVar aggregate classification (germline): Benign/Likely benign. Review status: criteria provided, multiple submitters, no conflicts (2 of 4 stars). 3 submissions from 3 submitters: Benign (1); Likely benign (2). Last evaluated 2025-02-04.

Conditions:
Hereditary diffuse gastric adenocarcinoma (HDGC). Also called: DIFFUSE GASTRIC AND LOBULAR BREAST CANCER SYNDROME. Identifiers: Orphanet 26106, MedGen C1708349, MONDO:0007648, OMIM 137215.
Hereditary cancer-predisposing syndrome. Also called: Hereditary Cancer Syndrome; Neoplastic Syndromes, Hereditary; Hereditary neoplastic syndrome; Tumor predisposition. Identifiers: Orphanet 140162, MedGen C0027672, MeSH D009386, MONDO:0015356.

Allele frequency attached by ClinVar (database versions not stated): gnomAD exomes below 0.00001.
gnomAD v4.1: 2 of 1,614,060 alleles (0.00012%); highest among the groups gnomAD compares: Non-Finnish European, 0.00017%; no homozygotes.

Submissions (3):

Ambry Genetics
Classification: Likely benign for Hereditary cancer-predisposing syndrome. Last evaluated: 2025-02-04. Review status: criteria provided, single submitter. Criteria: Ambry Variant Classification Scheme 2023. Collection method: clinical testing. Allele origin: germline.

Myriad Genetics, Inc.
Classification: Benign for Hereditary diffuse gastric adenocarcinoma. Last evaluated: 2024-09-19. Review status: criteria provided, single submitter. Criteria: Myriad Autosomal Dominant, Autosomal Recessive and X-Linked Classification Criteria (2023). Collection method: clinical testing. Allele origin: unknown.
Comment: This variant is considered benign. This variant is a silent/synonymous amino acid change and it is not expected to impact splicing.

Labcorp Genetics (formerly Invitae), Labcorp
Classification: Likely benign for Hereditary diffuse gastric adenocarcinoma. Last evaluated: 2022-06-18. Review status: criteria provided, single submitter. Criteria: Invitae Variant Classification Sherloc (09022015). Collection method: clinical testing. Allele origin: germline.

NM_004360.5(CDH1):c.1653G>A (p.Glu551=)

Gene: CDH1 (cadherin 1; plus strand). Cytogenetic location: 16q22.1.
Variant type: single nucleotide variant.
Coding change: c.1653G>A on transcript NM_004360.5 (MANE Select); coding-DNA position 1653, G replaced by A.
Protein change: p.Glu551=; no amino-acid change (glutamic acid 551 retained).
Molecular consequence: synonymous variant. On other transcripts: intron variant (1).
Genome position (GRCh38, 1-based): chr16:68,819,367, G>A. VCF-style: chr16-68819367-G-A. GRCh37 (hg19) VCF-style: chr16-68853270-G-A.
Other names: c.1470G>A, p.Glu490= (NM_001317184.2); c.105G>A, p.Glu35= (NM_001317185.2); c.-254-2634G>A (NM_001317186.2).
Identifiers: ClinVar variation 2122821 (VCV002122821.6), dbSNP rs2152136921, ClinGen allele CA496154401.